The following is an entry in ClinVar:

NM_001164508.2(NEB):c.7647C>G (p.Tyr2549Ter)

Gene: NEB (nebulin; minus strand). Cytogenetic location: 2q23.3.
Variant type: single nucleotide variant.
Coding change: c.7647C>G on transcript NM_001164508.2 (MANE Select); coding-DNA position 7647, C replaced by G.
Protein change: p.Tyr2549Ter; replaces tyrosine 2549 with a stop codon.
Molecular consequence: nonsense.
Genome position (GRCh38, 1-based): chr2:151,644,127, G>C on the plus strand (C>G on the coding strand, the complement: NEB is on the minus strand). VCF-style: chr2-151644127-G-C. GRCh37 (hg19) VCF-style: chr2-152500641-G-C.
Other names: c.7647C>G, p.Tyr2549Ter (NM_001164507.2, NM_001271208.2, NM_004543.5); short protein forms Y2549*.
Identifiers: ClinVar variation 551746 (VCV000551746.11), dbSNP rs1373493309, ClinGen allele CA348782849.

ClinVar aggregate classification (germline): Pathogenic/Likely pathogenic. Review status: criteria provided, multiple submitters, no conflicts (2 of 4 stars). 4 submissions from 4 submitters: Pathogenic (2); Likely pathogenic (1). 1 of the submissions does not count toward it. Last evaluated 2025-05-12.

Conditions:
Nemaline myopathy 2 (NEM2). Also called: Nemaline myopathy 2, autosomal recessive. Identifiers: MedGen C1850569, MONDO:0009725, OMIM 256030.
Nemaline myopathy. Also called: Myopathies, Nemaline. Identifiers: Orphanet 607, MedGen C0206157, MONDO:0018958.

Submissions (4):

Natera, Inc.
Classification: Pathogenic for Nemaline myopathy type 2. Last evaluated: 2025-05-12. Review status: criteria provided, single submitter. Criteria: Natera Variant Classification Schema (03/2026). Collection method: clinical testing. Allele origin: germline.
Comment: The c.7647C>G variant in NEB is a nonsense variant predicted to introduce a stop codon at amino acid 2549. This variant is expected to result in nonsense mediated decay, truncation, or a dysfunctional protein product. This variant is rare in the general population with a frequency below the threshold expected for the associated phenotype(s). This variant has been observed in one or more individuals affected with the associated recessive disease, as either homozygous or compound heterozygous with a second variant (PMID: 25205138). Given the available evidence, this variant is classified as Pathogenic.

Women's Health and Genetics/Laboratory Corporation of America, LabCorp
Classification: Likely pathogenic for Nemaline myopathy. Last evaluated: 2022-11-25. Review status: criteria provided, single submitter. Criteria: LabCorp Variant Classification Summary - May 2015. Collection method: clinical testing. Allele origin: germline.
Comment: Variant summary: NEB c.7647C>G (p.Tyr2549X) results in a premature termination codon, predicted to cause a truncation of the encoded protein or absence of the protein due to nonsense mediated decay, which are commonly known mechanisms for disease. Truncations downstream of this position have been classified as pathogenic by our laboratory. The variant was absent in 248374 control chromosomes (gnomAD). c.7647C>G has been reported in the literature in at least one individual affected with a severe phenotype of Nemaline Myopathy 2 (e.g. Lehtokari_2014). To our knowledge, no experimental evidence demonstrating an impact on protein function has been reported. Two clinical diagnostic laboratories have submitted clinical-significance assessments for this variant to ClinVar after 2014 without evidence for independent evaluation. All laboratories classified the variant as either pathogenic (n=1) or likely pathogenic (n=1). Based on the evidence outlined above, the variant was classified as likely pathogenic.

Labcorp Genetics (formerly Invitae), Labcorp
Classification: Pathogenic for Nemaline myopathy 2. Last evaluated: 2021-05-12. Review status: criteria provided, single submitter. Criteria: Invitae Variant Classification Sherloc (09022015). Collection method: clinical testing. Allele origin: germline.
Comment: This variant is not present in population databases (ExAC no frequency). For these reasons, this variant has been classified as Pathogenic. Algorithms developed to predict the effect of sequence changes on RNA splicing suggest that this variant may create or strengthen a splice site, but this prediction has not been confirmed by published transcriptional studies. This variant has been observed in individual(s) with nemaline myopathy (PMID: 25205138). ClinVar contains an entry for this variant (Variation ID: 551746). This sequence change creates a premature translational stop signal (p.Tyr2549*) in the NEB gene. It is expected to result in an absent or disrupted protein product. Loss-of-function variants in NEB are known to be pathogenic (PMID: 25205138).

Counsyl
Classification: Likely pathogenic for Nemaline myopathy 2. Last evaluated: 2017-05-19. Review status: no assertion criteria provided. Collection method: clinical testing. Allele origin: unknown. Not counted in ClinVar's aggregate classification.

Literature cited by the submitters: PubMed 25205138 (cited by 4 submitters).